The following is an entry in ClinVar:

NM_001007527.2(LMBRD2):c.1605G>A (p.Met535Ile)

Gene: LMBRD2 (LMBR1 domain containing 2; minus strand). Cytogenetic location: 5p13.2.
Variant type: single nucleotide variant.
Coding change: c.1605G>A on transcript NM_001007527.2 (MANE Select); coding-DNA position 1605, G replaced by A.
Protein change: p.Met535Ile; replaces methionine 535 with isoleucine.
Molecular consequence: missense variant.
Genome position (GRCh38, 1-based): chr5:36,114,459, C>T on the plus strand (G>A on the coding strand, the complement: LMBRD2 is on the minus strand). VCF-style: chr5-36114459-C-T. GRCh37 (hg19) VCF-style: chr5-36114561-C-T.
Other names: short protein forms M535I.
Identifiers: ClinVar variation 4881029 (VCV004881029.2).

ClinVar aggregate classification (germline): Uncertain significance (1 of 4 stars; one submission).

gnomAD v4.1: 5 of 1,563,296 alleles (0.00032%); highest among the groups gnomAD compares: Non-Finnish European, 0.00034%; no homozygotes.

Submission:

Dasa
Classification: Uncertain significance. Last evaluated: 2026-01-19. Review status: criteria provided, single submitter. Criteria: DASA Assertion Criteria. Collection method: clinical testing. Allele origin: germline.
Comment: NM_001007527.2(LMBRD2):c.1605G>A (p.Met535Ile) is a missense variant that results in the substitution of methionine with isoleucine. This variant is rare in population databases. The currently available literature and clinical evidence are not sufficient to establish a definitive association between this variant and the reported condition. Therefore, this variant is classified as a variant of uncertain significance.